The following is an entry in ClinVar:

ClinVar aggregate classification (germline): Uncertain significance. Review status: criteria provided, multiple submitters, no conflicts (2 of 4 stars). 2 submissions from 2 submitters: Uncertain significance (2). Last evaluated 2022-04-25.

Conditions:
Microcephaly, normal intelligence and immunodeficiency (NBS). Also called: Microcephaly with normal intelligence immunodeficiency and lymphoreticular malignancies; Nonsyndromal microcephaly autosomal recessive with normal intelligence; Seemanova syndrome 2; BERLIN BREAKAGE SYNDROME; Immunodeficiency, microcephaly with normal intelligence; Nijmegen breakage syndrome. Identifiers: Orphanet 647, MedGen C0398791, MONDO:0009623, OMIM 251260.

Submissions (2):

Labcorp Genetics (formerly Invitae), Labcorp
Classification: Uncertain significance for Microcephaly, normal intelligence and immunodeficiency. Last evaluated: 2022-04-25. Review status: criteria provided, single submitter. Criteria: Invitae Variant Classification Sherloc (09022015). Collection method: clinical testing. Allele origin: germline.
Comment: This sequence change replaces serine, which is neutral and polar, with proline, which is neutral and non-polar, at codon 411 of the NBN protein (p.Ser411Pro). This variant is not present in population databases (gnomAD no frequency). This variant has not been reported in the literature in individuals affected with NBN-related conditions. ClinVar contains an entry for this variant (Variation ID: 629205). Algorithms developed to predict the effect of missense changes on protein structure and function (SIFT, PolyPhen-2, Align-GVGD) all suggest that this variant is likely to be tolerated. In summary, the available evidence is currently insufficient to determine the role of this variant in disease. Therefore, it has been classified as a Variant of Uncertain Significance.

Blueprint Genetics
Classification: Uncertain significance. Last evaluated: 2020-07-03. Review status: criteria provided, single submitter. Criteria: ACMG Guidelines, 2015. Collection method: clinical testing. Allele origin: germline.

NM_002485.5(NBN):c.1231T>C (p.Ser411Pro)

Gene: NBN (nibrin; minus strand). Cytogenetic location: 8q21.3.
Variant type: single nucleotide variant.
Coding change: c.1231T>C on transcript NM_002485.5 (MANE Select); coding-DNA position 1231, T replaced by C.
Protein change: p.Ser411Pro; replaces serine 411 with proline.
Molecular consequence: missense variant.
Genome position (GRCh38, 1-based): chr8:89,955,449, A>G on the plus strand (T>C on the coding strand, the complement: NBN is on the minus strand). VCF-style: chr8-89955449-A-G. GRCh37 (hg19) VCF-style: chr8-90967677-A-G.
Other names: c.985T>C, p.Ser329Pro (NM_001024688.3); short protein forms S411P, S329P.
Identifiers: ClinVar variation 629205 (VCV000629205.12), dbSNP rs1563531982, ClinGen allele CA371656309.